The following is an entry in ClinVar:

ClinVar aggregate classification (germline): Uncertain significance (1 of 4 stars; one submission).

Conditions:
Deficiency of aromatic-L-amino-acid decarboxylase. Also called: AADC DEFICIENCY; DDC DEFICIENCY; DOPA DECARBOXYLASE DEFICIENCY; Aromatic L-Amino Acid Decarboxylase Deficiency; Aromatic amino acid decarboxylase deficiency. Identifiers: Orphanet 35708, MedGen C1291564, MONDO:0012084, OMIM 608643.

Allele frequency attached by ClinVar (database versions not stated): gnomAD exomes below 0.00001.
gnomAD v4.1: 1 of 1,612,222 alleles (0.000062%); highest among the groups gnomAD compares: Admixed American, 0.0017%; no homozygotes.

Submission:

Labcorp Genetics (formerly Invitae), Labcorp
Classification: Uncertain significance for Deficiency of aromatic-L-amino-acid decarboxylase. Last evaluated: 2022-05-03. Review status: criteria provided, single submitter. Criteria: Invitae Variant Classification Sherloc (09022015). Collection method: clinical testing. Allele origin: germline.
Comment: This variant is present in population databases (no rsID available, gnomAD 0.003%). This sequence change falls in intron 11 of the DDC gene. It does not directly change the encoded amino acid sequence of the DDC protein. It affects a nucleotide within the consensus splice site. This variant has not been reported in the literature in individuals affected with DDC-related conditions. In summary, the available evidence is currently insufficient to determine the role of this variant in disease. Therefore, it has been classified as a Variant of Uncertain Significance. Variants that disrupt the consensus splice site are a relatively common cause of aberrant splicing (PMID: 17576681, 9536098). Algorithms developed to predict the effect of sequence changes on RNA splicing suggest that this variant is not likely to affect RNA splicing.

Literature cited by the submitters: PubMed 17576681; PubMed 9536098.

NM_001082971.2(DDC):c.1041+3A>G

Gene: DDC (dopa decarboxylase; minus strand). Cytogenetic location: 7p12.2.
Variant type: single nucleotide variant.
Coding change: c.1041+3A>G on transcript NM_001082971.2 (MANE Select); 3 bases into the intron after coding-DNA position 1041, A replaced by G.
Molecular consequence: intron variant.
Genome position (GRCh38, 1-based): chr7:50,476,621, T>C on the plus strand (A>G on the coding strand, the complement: DDC is on the minus strand). VCF-style: chr7-50476621-T-C. GRCh37 (hg19) VCF-style: chr7-50544319-T-C.
Other names: c.807+3A>G (NM_001242888.2); c.927+3A>G (NM_001242886.2); c.762+3A>G (NM_001242889.2); c.897+3A>G (NM_001242887.2); c.1041+3A>G (NM_000790.4).
Identifiers: ClinVar variation 2133157 (VCV002133157.4), dbSNP rs1353792554, ClinGen allele CA574299545.